The following is an entry in ClinVar:

ClinVar aggregate classification (germline): Uncertain significance (1 of 4 stars; one submission).

Conditions:
Malignant hyperthermia, susceptibility to, 1 (MHS1). Also called: Anesthesia related hyperthermia; Malignant hyperpyrexia; Fulminating hyperpyrexia; Pharmacogenic myopathy; RYR1-Related Malignant Hyperthermia Susceptibility; Malignant hyperthermia suceptibility 1. Identifiers: Orphanet 423, MedGen C2930980, MONDO:0007783, OMIM 145600.

Submission:

All of Us Research Program, National Institutes of Health
Classification: Uncertain significance for Malignant hyperthermia, susceptibility to, 1. Last evaluated: 2023-10-06. Review status: criteria provided, single submitter. Criteria: ACMG Guidelines, 2015. Collection method: clinical testing. Allele origin: germline. Inheritance: Autosomal dominant inheritance. Observed: 1 variant allele, 1 heterozygote.
Comment: This variant causes a T to A nucleotide substitution at the -6 position of intron 28 of the RYR1 gene. To our knowledge, functional studies have not been reported for this variant. This variant has not been reported in individuals affected with RYR1-related disorders in the literature. This variant has not been identified in the general population by the Genome Aggregation Database (gnomAD). The available evidence is insufficient to determine the role of this variant in disease conclusively. Therefore, this variant is classified as a Variant of Uncertain Significance.

This study involves interpretation of variants in research participants for the purpose of population health screening. Participant phenotype was not available at the time of variant classification. Additional details can be found in publication PMID: 35346344, PMCID: PMC8962531

NM_000540.3(RYR1):c.4161-6T>A

Gene: RYR1 (ryanodine receptor 1; plus strand). Cytogenetic location: 19q13.2.
Variant type: single nucleotide variant.
Coding change: c.4161-6T>A on transcript NM_000540.3 (MANE Select); 6 bases into the intron before coding-DNA position 4161, T replaced by A.
Molecular consequence: intron variant.
Genome position (GRCh38, 1-based): chr19:38,475,312, T>A. VCF-style: chr19-38475312-T-A. GRCh37 (hg19) VCF-style: chr19-38965952-T-A.
Other names: c.4161-6T>A (NM_001042723.2).
Identifiers: ClinVar variation 3073854 (VCV003073854.1), dbSNP rs55845760, ClinGen allele CA2581383836.